The following is an entry in ClinVar:

NM_007194.4(CHEK2):c.726_727del (p.Thr242_Cys243insTer)

Gene: CHEK2 (checkpoint kinase 2; minus strand). Cytogenetic location: 22q12.1.
Variant type: Deletion.
Coding change: c.726_727del on transcript NM_007194.4 (MANE Select); coding-DNA positions 726 to 727, 2 bases deleted (AT; older notation c.726_727delAT).
Protein change: p.Thr242_Cys243insTer.
Molecular consequence: frameshift variant. On other transcripts: nonsense (4).
Genome position (GRCh38, 1-based): chr22:28,711,974-28,711,975, AT deleted on the plus strand (AT on the coding strand, the reverse complement: CHEK2 is on the minus strand). VCF-style (leftmost placement, unchanged base first): chr22-28711973-CAT-C. GRCh37 (hg19) VCF-style: chr22-29107961-CAT-C.
Other names: c.855_856delAT, p.Cys286Terfs (NM_001005735.3); c.63_64delAT, p.Cys22Terfs (NM_001257387.3); c.525_526delAT, p.Cys176Terfs (NM_001349956.3); c.726_727delAT, p.Cys243Terfs (NM_145862.3); c.726_727delAT (NM_007194.3).
Identifiers: ClinVar variation 848836 (VCV000848836.15), dbSNP rs1392940377, ClinGen allele CA638800294.

ClinVar aggregate classification (germline): Pathogenic/Likely pathogenic. Review status: criteria provided, multiple submitters, no conflicts (2 of 4 stars). 4 submissions from 4 submitters: Pathogenic (3); Likely pathogenic (1). Last evaluated 2025-01-22.

Conditions:
Hereditary cancer-predisposing syndrome. Also called: Tumor predisposition; Neoplastic Syndromes, Hereditary; Hereditary neoplastic syndrome; Hereditary Cancer Syndrome. Identifiers: Orphanet 140162, MedGen C0027672, MeSH D009386, MONDO:0015356.
Familial cancer of breast. Also called: BREAST CANCER, FAMILIAL; Hereditary breast cancer; hereditary breast carcinoma. Identifiers: Orphanet 227535, MedGen C0346153, MONDO:0016419, OMIM 114480. Disease mechanism: loss of function.

Allele frequency attached by ClinVar (database versions not stated): gnomAD exomes below 0.00001.

Submissions (4):

Ambry Genetics
Classification: Pathogenic for Hereditary cancer-predisposing syndrome. Last evaluated: 2025-01-22. Review status: criteria provided, single submitter. Criteria: Ambry Variant Classification Scheme 2023. Collection method: clinical testing. Allele origin: germline.
Comment: The c.726_727delAT pathogenic mutation (also known as p.C243*), located in coding exon 5 of the CHEK2 gene, results from a deletion of two nucleotides at nucleotide positions 726 to 727. This changes the amino acid from a cysteine to a stop codon within coding exon 5. This alteration is expected to result in loss of function by premature protein truncation or nonsense-mediated mRNA decay. As such, this alteration is interpreted as a disease-causing mutation.

Myriad Genetics, Inc.
Classification: Pathogenic for Familial cancer of breast. Last evaluated: 2023-06-26. Review status: criteria provided, single submitter. Criteria: Myriad Autosomal Dominant, Autosomal Recessive and X-Linked Classification Criteria (2023). Collection method: clinical testing. Allele origin: unknown.
Comment: This variant is considered pathogenic. This variant creates a termination codon and is predicted to result in premature protein truncation.

Labcorp Genetics (formerly Invitae), Labcorp
Classification: Pathogenic for Familial cancer of breast. Last evaluated: 2021-04-04. Review status: criteria provided, single submitter. Criteria: Invitae Variant Classification Sherloc (09022015). Collection method: clinical testing. Allele origin: germline.
Comment: For these reasons, this variant has been classified as Pathogenic. Loss-of-function variants in CHEK2 are known to be pathogenic (PMID: 21876083, 24713400). Algorithms developed to predict the effect of sequence changes on RNA splicing suggest that this variant may create or strengthen a splice site, but this prediction has not been confirmed by published transcriptional studies. This variant has not been reported in the literature in individuals with CHEK2-related conditions. This variant is not present in population databases (ExAC no frequency). This sequence change creates a premature translational stop signal (p.Cys243*) in the CHEK2 gene. It is expected to result in an absent or disrupted protein product.

Baylor Genetics
Classification: Likely pathogenic for Familial cancer of breast. Last evaluated: 2021-02-23. Review status: criteria provided, single submitter. Criteria: ACMG Guidelines, 2015. Collection method: clinical testing. Allele origin: unknown.

Literature cited by the submitters: PubMed 21876083 (cited by Labcorp Genetics (formerly Invitae), Labcorp); PubMed 24713400 (cited by Labcorp Genetics (formerly Invitae), Labcorp).